The following is an entry in ClinVar:

ClinVar aggregate classification (germline): Uncertain significance (1 of 4 stars; one submission).

Conditions:
Intellectual developmental disorder, autosomal dominant 77. Identifiers: MedGen C6065930, MONDO:0980748, OMIM 621415.

gnomAD v4.1: 3 of 1,614,040 alleles (0.00019%); highest among the groups gnomAD compares: African/African-American, 0.0013%; no homozygotes.

Submission:

Clinical Genomics Laboratory, Washington University in St. Louis
Classification: Uncertain significance for Intellectual developmental disorder, autosomal dominant 77. Last evaluated: 2026-05-01. Review status: criteria provided, single submitter. Criteria: ACMG Guidelines, 2015. Collection method: clinical testing. Allele origin: germline.
Comment: The LRRC7 c.2708C>T (p.Thr903Ile) variant, to our knowledge, has not been reported in the medical literature.This variant is only observed in 1/250,702 alleles in the general population (gnomAD v2.1.1), indicating it is not a common variant. Computational predictors suggest that the variant does not impact LRRC7 function. Due to limited information, and based on ACMG/AMP guidelines for variant interpretation (Richards S et al., PMID: 25741868), the clinical significance of this variant is uncertain at this time.

NM_001370785.2(LRRC7):c.2708C>T (p.Thr903Ile)

Genes: LRRC7 (leucine rich repeat containing 7; plus strand), LRRC7-AS1 (LRRC7 antisense RNA 1; minus strand). Cytogenetic location: 1p31.1.
Variant type: single nucleotide variant.
Coding change: c.2708C>T on transcript NM_001370785.2 (MANE Select); coding-DNA position 2708, C replaced by T.
Protein change: p.Thr903Ile; replaces threonine 903 with isoleucine.
Molecular consequence: missense variant. On other transcripts: non-coding transcript variant (1).
Genome position (GRCh38, 1-based): chr1:70,038,532, C>T. VCF-style: chr1-70038532-C-T. GRCh37 (hg19) VCF-style: chr1-70504215-C-T.
Other names: c.2609C>T, p.Thr870Ile (NM_001330635.3, NM_001366841.1); c.2711C>T, p.Thr904Ile (NM_001350216.3); c.2708C>T, p.Thr903Ile (NM_001366838.3); c.2549C>T, p.Thr850Ile (NM_001366839.3); short protein forms T850I, T870I, T903I, T904I.
Identifiers: ClinVar variation 4879278 (VCV004879278.1).